The following is an entry in ClinVar:

NM_032043.3(BRIP1):c.2220G>A (p.Gln740=)

Gene: BRIP1 (BRCA1 interacting DNA helicase 1; minus strand). Cytogenetic location: 17q23.2.
Variant type: single nucleotide variant.
Coding change: c.2220G>A on transcript NM_032043.3 (MANE Select); coding-DNA position 2220, G replaced by A.
Protein change: p.Gln740=; no amino-acid change (glutamine 740 retained).
Molecular consequence: synonymous variant.
Genome position (GRCh38, 1-based): chr17:61,744,469, C>T on the plus strand (G>A on the coding strand, the complement: BRIP1 is on the minus strand). VCF-style: chr17-61744469-C-T. GRCh37 (hg19) VCF-style: chr17-59821830-C-T.
Identifiers: ClinVar variation 1787925 (VCV001787925.3), dbSNP rs45589637, ClinGen allele CA501151243.

ClinVar aggregate classification (germline): Benign/Likely benign. Review status: criteria provided, multiple submitters, no conflicts (2 of 4 stars). 2 submissions from 2 submitters: Benign (1); Likely benign (1). Last evaluated 2024-09-03.

Conditions:
Hereditary cancer-predisposing syndrome. Also called: Neoplastic Syndromes, Hereditary; Tumor predisposition; Hereditary Cancer Syndrome; Hereditary neoplastic syndrome. Identifiers: Orphanet 140162, MedGen C0027672, MeSH D009386, MONDO:0015356.
Familial cancer of breast. Also called: BREAST CANCER, FAMILIAL; Hereditary breast cancer; hereditary breast carcinoma. Identifiers: Orphanet 227535, MedGen C0346153, MONDO:0016419, OMIM 114480. Disease mechanism: loss of function.

gnomAD v4.1: 1 of 1,613,890 alleles (0.000062%); highest among the groups gnomAD compares: African/African-American, 0.0013%; no homozygotes.

Submissions (2):

Myriad Genetics, Inc.
Classification: Benign for Familial cancer of breast. Last evaluated: 2024-09-03. Review status: criteria provided, single submitter. Criteria: Myriad Autosomal Dominant, Autosomal Recessive and X-Linked Classification Criteria (2023). Collection method: clinical testing. Allele origin: unknown.
Comment: This variant is considered benign. This variant is a silent/synonymous amino acid change and it is not expected to impact splicing.

Ambry Genetics
Classification: Likely benign for Hereditary cancer-predisposing syndrome. Last evaluated: 2022-03-12. Review status: criteria provided, single submitter. Criteria: Ambry Variant Classification Scheme 2023. Collection method: clinical testing. Allele origin: germline.